The following is an entry in ClinVar:

NM_000276.4(OCRL):c.1245G>C (p.Glu415Asp)

Gene: OCRL (OCRL inositol polyphosphate-5-phosphatase; plus strand). Cytogenetic location: Xq26.1.
Variant type: single nucleotide variant.
Coding change: c.1245G>C on transcript NM_000276.4 (MANE Select); coding-DNA position 1245, G replaced by C.
Protein change: p.Glu415Asp; replaces glutamic acid 415 with aspartic acid.
Molecular consequence: missense variant.
Genome position (GRCh38, 1-based): chrX:129,565,772, G>C. VCF-style: chrX-129565772-G-C. GRCh37 (hg19) VCF-style: chrX-128699749-G-C.
Other names: c.1248G>C, p.Glu416Asp (NM_001318784.2); c.1245G>C, p.Glu415Asp (NM_001587.4); short protein forms E415D, E416D.
Identifiers: ClinVar variation 4540382 (VCV004540382.1).

ClinVar aggregate classification (germline): Uncertain significance (1 of 4 stars; one submission).

Submission:

GeneDx
Classification: Uncertain significance. Last evaluated: 2025-06-27. Review status: criteria provided, single submitter. Criteria: GeneDx Variant Classification Process June 2021. Collection method: clinical testing. Allele origin: germline. Affected: yes.
Comment: Not observed at significant frequency in large population cohorts (gnomAD); In silico analysis suggests that this missense variant does not alter protein structure/function; Has not been previously published as pathogenic or benign to our knowledge